The following is an entry in ClinVar:

ClinVar aggregate classification (germline): Likely benign (0 of 4 stars; one submission).

Conditions:
FRMD4A-related disorder. Also called: FRMD4A-related condition.

gnomAD v4.1: 8 of 1,613,990 alleles (0.0005%); highest among the groups gnomAD compares: African/African-American, 0.0013%; no homozygotes.

Submission:

PreventionGenetics, part of Exact Sciences
Classification: Likely benign for FRMD4A-related condition. Last evaluated: 2019-09-20. Review status: no assertion criteria provided. Collection method: clinical testing. Allele origin: germline.
Comment: This variant is classified as likely benign based on ACMG/AMP sequence variant interpretation guidelines (Richards et al. 2015 PMID: 25741868, with internal and published modifications).

NM_018027.5(FRMD4A):c.1986C>T (p.Leu662=)

Gene: FRMD4A (FERM domain containing 4A; minus strand). Cytogenetic location: 10p13.
Variant type: single nucleotide variant.
Coding change: c.1986C>T on transcript NM_018027.5 (MANE Select); coding-DNA position 1986, C replaced by T.
Protein change: p.Leu662=; no amino-acid change (leucine 662 retained).
Molecular consequence: synonymous variant.
Genome position (GRCh38, 1-based): chr10:13,659,403, G>A on the plus strand (C>T on the coding strand, the complement: FRMD4A is on the minus strand). VCF-style: chr10-13659403-G-A. GRCh37 (hg19) VCF-style: chr10-13701403-G-A.
Other names: c.2034C>T, p.Leu678= (NM_001318336.2); c.2085C>T, p.Leu695= (NM_001318337.2); c.1059C>T, p.Leu353= (NM_001318338.2).
Identifiers: ClinVar variation 3038740 (VCV003038740.2), dbSNP rs767309844, ClinGen allele CA468258004.